The following is an entry in ClinVar:

ClinVar aggregate classification (germline): Uncertain significance. Review status: criteria provided, multiple submitters, no conflicts (2 of 4 stars). 2 submissions from 2 submitters: Uncertain significance (2). Last evaluated 2024-07-09.

Conditions:
Inborn genetic diseases. Identifiers: MedGen C0950123, MeSH D030342.

Allele frequency attached by ClinVar (database versions not stated): gnomAD exomes 0.00001; ExAC 0.00003; gnomAD 0.00015; 1000 Genomes Project 0.00020; 1000 Genomes Project 30x 0.00031; TOPMed 0.00033.
gnomAD v4.1: 50 of 1,614,164 alleles (0.0031%); highest among the groups gnomAD compares: Admixed American, 0.038%; no homozygotes.

Submissions (2):

Ambry Genetics
Classification: Uncertain significance for Inborn genetic diseases. Last evaluated: 2024-07-09. Review status: criteria provided, single submitter. Criteria: Ambry Variant Classification Scheme 2023. Collection method: clinical testing. Allele origin: germline.

Labcorp Genetics (formerly Invitae), Labcorp
Classification: Uncertain significance. Last evaluated: 2022-07-09. Review status: criteria provided, single submitter. Criteria: Invitae Variant Classification Sherloc (09022015). Collection method: clinical testing. Allele origin: germline.
Comment: This sequence change replaces arginine, which is basic and polar, with glutamine, which is neutral and polar, at codon 523 of the RSPRY1 protein (p.Arg523Gln). This variant is present in population databases (rs201634523, gnomAD 0.006%). This variant has not been reported in the literature in individuals affected with RSPRY1-related conditions. Algorithms developed to predict the effect of missense changes on protein structure and function are either unavailable or do not agree on the potential impact of this missense change (SIFT: "Tolerated"; PolyPhen-2: "Possibly Damaging"; Align-GVGD: "Class C0"). In summary, the available evidence is currently insufficient to determine the role of this variant in disease. Therefore, it has been classified as a Variant of Uncertain Significance.

NM_133368.3(RSPRY1):c.1568G>A (p.Arg523Gln)

Gene: RSPRY1 (ring finger and SPRY domain containing 1; plus strand). Cytogenetic location: 16q13.
Variant type: single nucleotide variant.
Coding change: c.1568G>A on transcript NM_133368.3 (MANE Select); coding-DNA position 1568, G replaced by A.
Protein change: p.Arg523Gln; replaces arginine 523 with glutamine.
Molecular consequence: missense variant.
Genome position (GRCh38, 1-based): chr16:57,235,162, G>A. VCF-style: chr16-57235162-G-A. GRCh37 (hg19) VCF-style: chr16-57269074-G-A.
Other names: c.1568G>A, p.Arg523Gln (NM_001305163.2, NM_001305164.2); short protein forms R523Q.
Identifiers: ClinVar variation 2069953 (VCV002069953.3), dbSNP rs201634523, ClinGen allele CA8074766.